The following is an entry in ClinVar:

ClinVar aggregate classification (germline): Likely pathogenic (1 of 4 stars; one submission).

Conditions:
Actin accumulation myopathy (CMYO2A). Also called: Myopathy, actin, congenital, with cores; Nemaline myopathy 3, with intranuclear rods; Nemaline myopathy type 3; Myopathy, actin, congenital, with excess of thin myofilaments; CONGENITAL MYOPATHY 2A, TYPICAL, AUTOSOMAL DOMINANT. Identifiers: Orphanet 98904, MedGen C3711389, MONDO:0008070, OMIM 161800.

Submission:

Labcorp Genetics (formerly Invitae), Labcorp
Classification: Likely pathogenic for Actin accumulation myopathy. Last evaluated: 2020-12-21. Review status: criteria provided, single submitter. Criteria: Invitae Variant Classification Sherloc (09022015). Collection method: clinical testing. Allele origin: germline.
Comment: This sequence change replaces lysine with glutamic acid at codon 375 of the ACTA1 protein (p.Lys375Glu). The lysine residue is highly conserved and there is a small physicochemical difference between lysine and glutamic acid. This variant has been observed to be de novo in an individual affected with nemaline myopathy (PMID: 15336687). This variant has also been reported as p.Lys373Glu. This variant is not present in population databases (ExAC no frequency). Algorithms developed to predict the effect of missense changes on protein structure and function are either unavailable or do not agree on the potential impact of this missense change (SIFT: "Deleterious"; PolyPhen-2: "Possibly Damaging"; Align-GVGD: "Class C0"). In summary, the currently available evidence indicates that the variant is pathogenic, but additional data are needed to prove that conclusively. Therefore, this variant has been classified as Likely Pathogenic. Variants that disrupt the p.Lys375 amino acid residue in ACTA1 have been observed in affected individuals (PMID: 11525890, 19562689, 15236405, 15138616). This suggests that it is a clinically significant residue, and that other variants that disrupt this residue are likely to be causative of disease.

Literature cited by the submitters: PubMed 15336687; PubMed 11525890; PubMed 19562689; PubMed 15236405; PubMed 15138616.

NM_001100.4(ACTA1):c.1123A>G (p.Lys375Glu)

Gene: ACTA1 (actin alpha 1, skeletal muscle; minus strand). Cytogenetic location: 1q42.13.
Variant type: single nucleotide variant.
Coding change: c.1123A>G on transcript NM_001100.4 (MANE Select); coding-DNA position 1123, A replaced by G.
Protein change: p.Lys375Glu; replaces lysine 375 with glutamic acid.
Molecular consequence: missense variant.
Genome position (GRCh38, 1-based): chr1:229,431,510, T>C on the plus strand (A>G on the coding strand, the complement: ACTA1 is on the minus strand). VCF-style: chr1-229431510-T-C. GRCh37 (hg19) VCF-style: chr1-229567257-T-C.
Other names: short protein forms K375E.
Identifiers: ClinVar variation 662251 (VCV000662251.9), dbSNP rs1571892209, ClinGen allele CA345144104.